The following is an entry in ClinVar:

NM_001384125.1(BLTP1):c.12610A>C (p.Ile4204Leu)

Gene: BLTP1 (bridge-like lipid transfer protein family member 1; plus strand). Cytogenetic location: 4q27.
Variant type: single nucleotide variant.
Coding change: c.12610A>C on transcript NM_001384125.1 (MANE Select); coding-DNA position 12610, A replaced by C.
Protein change: p.Ile4204Leu; replaces isoleucine 4204 with leucine.
Molecular consequence: missense variant.
Genome position (GRCh38, 1-based): chr4:122,339,402, A>C. VCF-style: chr4-122339402-A-C. GRCh37 (hg19) VCF-style: chr4-123260557-A-C.
Other names: c.12346A>C, p.Ile4116Leu (NM_015312.4); short protein forms I4116L, I4204L.
Identifiers: ClinVar variation 1033761 (VCV001033761.2), dbSNP rs534873587, ClinGen allele CA3068002.

ClinVar aggregate classification (germline): Uncertain significance. Review status: criteria provided, multiple submitters, no conflicts (2 of 4 stars). 2 submissions from 2 submitters: Uncertain significance (2). Last evaluated 2022-07-14.

Conditions:
Alkuraya-Kucinskas syndrome. Identifiers: Orphanet 610569, MedGen C4693347, MONDO:0060631, OMIM 617822.

Allele frequency attached by ClinVar (database versions not stated): gnomAD exomes 0.00001 and 0.00005; TOPMed 0.00002; ExAC 0.00003; gnomAD 0.00003; 1000 Genomes Project 30x 0.00016; 1000 Genomes Project 0.00020.
gnomAD v4.1: 23 of 1,610,714 alleles (0.0014%); highest among the groups gnomAD compares: Admixed American, 0.028%; no homozygotes.

Submissions (2):

Ambry Genetics
Classification: Uncertain significance. Last evaluated: 2022-07-14. Review status: criteria provided, single submitter. Criteria: Ambry Variant Classification Scheme 2023. Collection method: clinical testing. Allele origin: germline.

Baylor Genetics
Classification: Uncertain significance for Alkuraya-Kucinskas syndrome. Last evaluated: 2018-11-24. Review status: criteria provided, single submitter. Criteria: ACMG Guidelines, 2015. Collection method: clinical testing. Allele origin: maternal. Affected: yes.
Comment: This variant was determined to be of uncertain significance according to ACMG Guidelines, 2015 [PMID:25741868].